The following is an entry in ClinVar:

NM_006846.4(SPINK5):c.2667-4G>A

Gene: SPINK5 (serine peptidase inhibitor Kazal type 5; plus strand). Cytogenetic location: 5q32.
Variant type: single nucleotide variant.
Coding change: c.2667-4G>A on transcript NM_006846.4 (MANE Select); 4 bases into the intron before coding-DNA position 2667, G replaced by A.
Molecular consequence: intron variant.
Genome position (GRCh38, 1-based): chr5:148,124,761, G>A. VCF-style: chr5-148124761-G-A. GRCh37 (hg19) VCF-style: chr5-147504324-G-A.
Other names: c.2667-4G>A (NM_001127698.2, NM_001127699.2).
Identifiers: ClinVar variation 260053 (VCV000260053.38), dbSNP rs180955184, ClinGen allele CA3496079.
Genomic context (GRCh38, chr5:148,124,761, plus strand): 5'-TTAAAGACAATTCAGTAACAACCCTTGAAAAATTACCCTATCTTTTTTTTTAATTATTCT[G>A]CAGTGATCGAGAAGCTAATGAAAGAAAAAAGAAAGATGAAGAGAAATCAAGTAGCAAGCC-3'

ClinVar aggregate classification (germline): Benign/Likely benign. Review status: criteria provided, multiple submitters, no conflicts (2 of 4 stars). 8 submissions from 8 submitters: Benign (4); Likely benign (2). 2 of the submissions do not count toward it. Last evaluated 2026-08-01.

Conditions:
Ichthyosis linearis circumflexa. Identifiers: MedGen C0265962, MONDO:0043106, HP:0025810.
Netherton syndrome (NETH). Also called: ERYTHRODERMA, ICHTHYOSIFORM, WITH HYPOTRICHOSIS AND HYPER-IgE; COMEL-NETHERTON SYNDROME; NETHERTON DISEASE. Identifiers: Orphanet 634, MedGen C5574950, MONDO:0009735, OMIM 256500.

Allele frequency attached by ClinVar (database versions not stated): 1000 Genomes Project 30x 0.00078; 1000 Genomes Project 0.00100; TOPMed 0.00194; ESP Exome Variant Server 0.00274; gnomAD 0.00511 and 0.00542; gnomAD exomes 0.00567; ExAC 0.00735.
gnomAD v4.1: 6,736 of 1,583,566 alleles (0.43%); highest among the groups gnomAD compares: Non-Finnish European, 0.36%; 61 homozygotes.

Submissions (8):

CeGaT Center for Human Genetics Tuebingen
Classification: Likely benign. Last evaluated: 2026-08-01. Review status: criteria provided, single submitter. Criteria: CeGaT Center For Human Genetics Tuebingen Variant Classification Criteria Version 2. Collection method: clinical testing. Allele origin: germline. Affected: yes. Observed: 7 variant alleles.
Comment: SPINK5: BP4, BS2

Women's Health and Genetics/Laboratory Corporation of America, LabCorp
Classification: Benign. Last evaluated: 2026-02-12. Review status: criteria provided, single submitter. Criteria: LabCorp Variant Classification Summary - May 2015. Collection method: clinical testing. Allele origin: germline.
Comment: Variant summary: SPINK5 c.2667-4G>A alters a non-conserved nucleotide located at a position not widely known to affect splicing. Consensus agreement among computation tools predict no significant impact on normal splicing. However, these predictions have yet to be confirmed by functional studies. The variant allele was found at a frequency of 0.0057 in 231018 control chromosomes in the gnomAD database, including 13 homozygotes. The observed variant frequency exceeds the estimated maximal expected allele frequency for disease-causing variants in SPINK5. c.2667-4G>A has been observed in heterozygous individuals affected with atopic dermatitis (e.g. Perala_2023). These report(s) do not provide unequivocal conclusions about association of the variant with Netherton syndrome. To our knowledge, no experimental evidence demonstrating an impact on protein function has been reported. The following publication has been ascertained in the context of this evaluation (PMID: 37533579). ClinVar contains an entry for this variant (Variation ID: 260053). Based on the evidence outlined above, the variant was classified as benign.

Labcorp Genetics (formerly Invitae), Labcorp
Classification: Benign for Ichthyosis linearis circumflexa. Last evaluated: 2026-02-01. Review status: criteria provided, single submitter. Criteria: Invitae Variant Classification Sherloc (09022015). Collection method: clinical testing. Allele origin: germline.

Illumina Laboratory Services, Illumina
Classification: Likely benign for Netherton syndrome. Last evaluated: 2018-01-13. Review status: criteria provided, single submitter. Criteria: ICSL Variant Classification Criteria 13 December 2019. Collection method: clinical testing. Allele origin: germline.
Comment: This variant was observed in the ICSL laboratory as part of a predisposition screen in an ostensibly healthy population. It had not been previously curated by ICSL or reported in the Human Gene Mutation Database (HGMD: prior to June 1st, 2018), and was therefore a candidate for classification through an automated scoring system. Utilizing variant allele frequency, disease prevalence and penetrance estimates, and inheritance mode, an automated score was calculated to assess if this variant is too frequent to cause the disease. Based on the score and internal cut-off values, a variant classified as likely benign is not then subjected to further curation. The score for this variant resulted in a classification of likely benign for this disease.

GeneDx
Classification: Benign. Last evaluated: 2015-03-03. Review status: criteria provided, single submitter. Criteria: GeneDx Variant Classification Process June 2021. Collection method: clinical testing. Allele origin: germline. Affected: yes.

PreventionGenetics, part of Exact Sciences
Classification: Benign. Review status: criteria provided, single submitter. Criteria: ACMG Guidelines, 2015. Collection method: clinical testing. Allele origin: germline.

Clinical Genetics DNA and cytogenetics Diagnostics Lab, Erasmus MC, Erasmus Medical Center
Classification: Likely benign. Review status: no assertion criteria provided. Collection method: clinical testing. Allele origin: germline. Affected: yes. Study: VKGL Data-share Consensus. Not counted in ClinVar's aggregate classification.

Diagnostic Laboratory, Department of Genetics, University Medical Center Groningen
Classification: Likely benign. Review status: no assertion criteria provided. Collection method: clinical testing. Allele origin: germline. Affected: yes. Study: VKGL Data-share Consensus. Not counted in ClinVar's aggregate classification.

Literature cited by the submitters: PubMed 37533579 (cited by Women's Health and Genetics/Laboratory Corporation of America, LabCorp).